The following is an entry in ClinVar:

ClinVar aggregate classification (germline): Uncertain significance (1 of 4 stars; one submission).

Conditions:
Hereditary cancer-predisposing syndrome. Also called: Hereditary Cancer Syndrome; Hereditary neoplastic syndrome; Tumor predisposition; Neoplastic Syndromes, Hereditary. Identifiers: Orphanet 140162, MedGen C0027672, MeSH D009386, MONDO:0015356.

Submission:

Ambry Genetics
Classification: Uncertain significance for Hereditary cancer-predisposing syndrome. Last evaluated: 2024-11-05. Review status: criteria provided, single submitter. Criteria: Ambry Variant Classification Scheme 2023. Collection method: clinical testing. Allele origin: germline.
Comment: The p.L1037P variant (also known as c.3110T>C), located in coding exon 19 of the ALK gene, results from a T to C substitution at nucleotide position 3110. The leucine at codon 1037 is replaced by proline, an amino acid with similar properties. This amino acid position is conserved. In addition, this alteration is predicted to be deleterious by in silico analysis. Based on the available evidence, the clinical significance of this variant remains unclear.

NM_004304.5(ALK):c.3110T>C (p.Leu1037Pro)

Gene: ALK (ALK receptor tyrosine kinase; minus strand). Cytogenetic location: 2p23.2.
Variant type: single nucleotide variant.
Coding change: c.3110T>C on transcript NM_004304.5 (MANE Select); coding-DNA position 3110, T replaced by C.
Protein change: p.Leu1037Pro; replaces leucine 1037 with proline.
Molecular consequence: missense variant.
Genome position (GRCh38, 1-based): chr2:29,225,523, A>G on the plus strand (T>C on the coding strand, the complement: ALK is on the minus strand). VCF-style: chr2-29225523-A-G. GRCh37 (hg19) VCF-style: chr2-29448389-A-G.
Other names: short protein forms L1037P.
Identifiers: ClinVar variation 3523894 (VCV003523894.1).
Genomic context (GRCh38, chr2:29,225,523, plus strand): 5'-ATCATGATGCCGGAGAAAGCCAGGACCAGGGCGGCCACGAGGGCAGAGGTCACCACAGAG[A>G]GGATCAGCGAGAGTGGCAGGTGTGGCTCCGGGGTGGGTGACACTGGAAGACAGGTCCCAC-3'
Protein context (NP_004295.2, residues 1027-1047): PEPHLPLSLI[Leu1037Pro]SVVTSALVAA